The following is an entry in ClinVar:

NM_018417.6(ADCY10):c.1897A>C (p.Ile633Leu)

Gene: ADCY10 (adenylate cyclase 10; minus strand). Cytogenetic location: 1q24.2.
Variant type: single nucleotide variant.
Coding change: c.1897A>C on transcript NM_018417.6 (MANE Select); coding-DNA position 1897, A replaced by C.
Protein change: p.Ile633Leu; replaces isoleucine 633 with leucine.
Molecular consequence: missense variant.
Genome position (GRCh38, 1-based): chr1:167,856,439, T>G on the plus strand (A>C on the coding strand, the complement: ADCY10 is on the minus strand). VCF-style: chr1-167856439-T-G. GRCh37 (hg19) VCF-style: chr1-167825677-T-G.
Other names: c.1438A>C, p.Ile480Leu (NM_001167749.3); c.1621A>C, p.Ile541Leu (NM_001297772.2); short protein forms I480L, I633L, I541L.
Identifiers: ClinVar variation 1362476 (VCV001362476.9), dbSNP rs1665903568, ClinGen allele CA343089403.

ClinVar aggregate classification (germline): Uncertain significance. Review status: criteria provided, multiple submitters, no conflicts (2 of 4 stars). 2 submissions from 2 submitters: Uncertain significance (2). Last evaluated 2023-08-09.

Allele frequency attached by ClinVar (database versions not stated): gnomAD exomes below 0.00001; TOPMed below 0.00001; gnomAD 0.00001.
gnomAD v4.1: 3 of 1,614,022 alleles (0.00019%); highest among the groups gnomAD compares: Non-Finnish European, 0.00025%; no homozygotes.

Submissions (2):

Blueprint Genetics
Classification: Uncertain significance. Last evaluated: 2023-08-09. Review status: criteria provided, single submitter. Criteria: ACMG Guidelines, 2015. Collection method: clinical testing. Allele origin: germline.

Labcorp Genetics (formerly Invitae), Labcorp
Classification: Uncertain significance. Last evaluated: 2021-01-04. Review status: criteria provided, single submitter. Criteria: Invitae Variant Classification Sherloc (09022015). Collection method: clinical testing. Allele origin: germline.
Comment: In summary, the available evidence is currently insufficient to determine the role of this variant in disease. Therefore, it has been classified as a Variant of Uncertain Significance. Algorithms developed to predict the effect of missense changes on protein structure and function (SIFT, PolyPhen-2, Align-GVGD) all suggest that this variant is likely to be tolerated, but these predictions have not been confirmed by published functional studies and their clinical significance is uncertain. This variant has not been reported in the literature in individuals with ADCY10-related conditions. This variant is not present in population databases (ExAC no frequency). This sequence change replaces isoleucine with leucine at codon 633 of the ADCY10 protein (p.Ile633Leu). The isoleucine residue is weakly conserved and there is a small physicochemical difference between isoleucine and leucine.